The following is an entry in ClinVar:

NM_004292.3(RIN1):c.783C>T (p.Ala261=)

Gene: RIN1 (Ras and Rab interactor 1; minus strand). Cytogenetic location: 11q13.2.
Variant type: single nucleotide variant.
Coding change: c.783C>T on transcript NM_004292.3 (MANE Select); coding-DNA position 783, C replaced by T.
Protein change: p.Ala261=; no amino-acid change (alanine 261 retained).
Molecular consequence: synonymous variant.
Genome position (GRCh38, 1-based): chr11:66,335,016, G>A on the plus strand (C>T on the coding strand, the complement: RIN1 is on the minus strand). VCF-style: chr11-66335016-G-A. GRCh37 (hg19) VCF-style: chr11-66102487-G-A.
Other names: c.699C>T, p.Ala233= (NM_001363559.2); c.783C>T, p.Ala261= (NM_001363560.2).
Identifiers: ClinVar variation 2641986 (VCV002641986.24), dbSNP rs144796211, ClinGen allele CA6119693.

ClinVar aggregate classification (germline): Likely benign (1 of 4 stars; one submission).

Allele frequency attached by ClinVar (database versions not stated): ExAC 0.00004; TOPMed 0.00006; gnomAD 0.00008; ESP Exome Variant Server 0.00015.
gnomAD v4.1: 35 of 1,539,150 alleles (0.0023%); highest among the groups gnomAD compares: African/African-American, 0.017%; no homozygotes.

Submission:

CeGaT Center for Human Genetics Tuebingen
Classification: Likely benign. Last evaluated: 2022-03-01. Review status: criteria provided, single submitter. Criteria: CeGaT Center For Human Genetics Tuebingen Variant Classification Criteria Version 2. Collection method: clinical testing. Allele origin: germline. Affected: yes. Observed: 1 variant allele.
Comment: RIN1: BP4, BP7